The following is an entry in ClinVar:

ClinVar aggregate classification (germline): Uncertain significance (1 of 4 stars; one submission).

Submission:

GeneDx
Classification: Uncertain significance. Last evaluated: 2024-03-09. Review status: criteria provided, single submitter. Criteria: GeneDx Variant Classification Process June 2021. Collection method: clinical testing. Allele origin: germline. Affected: yes.
Comment: In silico analysis supports that this missense variant does not alter protein structure/function; Has not been previously published as pathogenic or benign to our knowledge

NM_001200.4(BMP2):c.58G>A (p.Gly20Ser)

Gene: BMP2 (bone morphogenetic protein 2; plus strand). Cytogenetic location: 20p12.3.
Variant type: single nucleotide variant.
Coding change: c.58G>A on transcript NM_001200.4 (MANE Select); coding-DNA position 58, G replaced by A.
Protein change: p.Gly20Ser; replaces glycine 20 with serine.
Molecular consequence: missense variant.
Genome position (GRCh38, 1-based): chr20:6,770,184, G>A. VCF-style: chr20-6770184-G-A. GRCh37 (hg19) VCF-style: chr20-6750831-G-A.
Other names: short protein forms G20S.
Identifiers: ClinVar variation 3370799 (VCV003370799.1).